The following is an entry in ClinVar:

ClinVar aggregate classification (germline): Pathogenic (1 of 4 stars; one submission).

Allele frequency attached by ClinVar (database versions not stated): TOPMed 0.00001.

Submission:

Labcorp Genetics (formerly Invitae), Labcorp
Classification: Pathogenic. Last evaluated: 2023-07-17. Review status: criteria provided, single submitter. Criteria: Invitae Variant Classification Sherloc (09022015). Collection method: clinical testing. Allele origin: germline.
Comment: This variant is not present in population databases (gnomAD no frequency). This sequence change replaces threonine, which is neutral and polar, with isoleucine, which is neutral and non-polar, at codon 61 of the FZD4 protein (p.Thr61Ile). Experimental studies have shown that this missense change affects FZD4 function (PMID: 31765079). Advanced modeling of protein sequence and biophysical properties (such as structural, functional, and spatial information, amino acid conservation, physicochemical variation, residue mobility, and thermodynamic stability) performed at Invitae indicates that this missense variant is not expected to disrupt FZD4 protein function. ClinVar contains an entry for this variant (Variation ID: 2159501). This missense change has been observed in individual(s) with familial exudative vitreoretinopathy (PMID: 30097784, 30452590, 31765079; Invitae). In at least one individual the variant was observed to be de novo. For these reasons, this variant has been classified as Pathogenic.

Literature cited by the submitters: PubMed 31765079; PubMed 30097784; PubMed 30452590.

NM_012193.4(FZD4):c.182C>T (p.Thr61Ile)

Gene: FZD4 (frizzled class receptor 4; minus strand). Cytogenetic location: 11q14.2.
Variant type: single nucleotide variant.
Coding change: c.182C>T on transcript NM_012193.4 (MANE Select); coding-DNA position 182, C replaced by T.
Protein change: p.Thr61Ile; replaces threonine 61 with isoleucine.
Molecular consequence: missense variant.
Genome position (GRCh38, 1-based): chr11:86,954,904, G>A on the plus strand (C>T on the coding strand, the complement: FZD4 is on the minus strand). VCF-style: chr11-86954904-G-A. GRCh37 (hg19) VCF-style: chr11-86665946-G-A.
Other names: short protein forms T61I.
Identifiers: ClinVar variation 2159501 (VCV002159501.4), dbSNP rs1949323335, ClinGen allele CA382018334.